The following is an entry in ClinVar:

ClinVar aggregate classification (germline): Likely pathogenic (1 of 4 stars; one submission).

Conditions:
X-linked complex neurodevelopmental disorder. Identifiers: MedGen CN294807, MONDO:0100148.

gnomAD v4.1: 4 of 1,212,015 alleles (0.00033%); highest among the groups gnomAD compares: African/African-American, 0.0017%; no homozygotes.

Submission:

Victorian Clinical Genetics Services, Murdoch Childrens Research Institute
Classification: Likely pathogenic for X-linked complex neurodevelopmental disorder. Last evaluated: 2023-07-16. Review status: criteria provided, single submitter. Criteria: ACMG Guidelines, 2015. Collection method: clinical testing. Allele origin: germline. Inheritance: X-linked recessive inheritance. Affected: yes.
Comment: Based on the classification scheme VCGS_Germline_v1.3.4, this variant is classified as Likely pathogenic. Following criteria are met: 0105 - The mechanism of disease for this gene is not clearly established. Various assays performed on patient-derived variants are suggestive of both loss and gain of function (PMID: 31184401). (I) 0109 - This gene is associated with X-linked recessive disease. (I) 0115 - Variants in this gene are known to have variable expressivity. Intrafamilial variability has been reported (PMID: 31184401) . (I) 0200 - Variant is predicted to result in a missense amino acid change from arginine to cysteine. (I) 0253 - This variant is hemizygous. (I) 0304 - Variant is present in gnomAD (v2) <0.01 for a recessive condition (2 heterozygotes, 0 homozygotes, 0 hemizygotes). (SP) 0309 - An alternative amino acid change at the same position has been observed in gnomAD (v2: 1 heterozygote, 0 homozygotes, 0 hemizygotes). (I) 0501 - Missense variant consistently predicted to be damaging by multiple in silico tools or highly conserved with a major amino acid change. (SP) 0604 - Variant is not located in an established domain, motif, hotspot or informative constraint region. (I) 0705 - No comparable missense variants have previous evidence for pathogenicity. (I) 0807 - This variant has no previous evidence of pathogenicity. (I) 0905 - No published segregation evidence has been identified for this variant. (I) 1007 - No published functional evidence has been identified for this variant. (SP) Legend: (SP) - Supporting pathogenic, (I) - Information, (SB) - Supporting benign

Literature cited by the submitters: PubMed 31184401.

NM_181303.2(NLGN3):c.1978C>T (p.Arg660Cys)

Gene: NLGN3 (neuroligin 3; plus strand). Cytogenetic location: Xq13.1.
Variant type: single nucleotide variant.
Coding change: c.1978C>T on transcript NM_181303.2 (MANE Select); coding-DNA position 1978, C replaced by T.
Protein change: p.Arg660Cys; replaces arginine 660 with cysteine.
Molecular consequence: missense variant.
Genome position (GRCh38, 1-based): chrX:71,169,528, C>T. VCF-style: chrX-71169528-C-T. GRCh37 (hg19) VCF-style: chrX-70389378-C-T.
Other names: c.1858C>T, p.Arg620Cys (NM_001166660.2); c.1567C>T, p.Arg523Cys (NM_001321276.2); c.1918C>T, p.Arg640Cys (NM_018977.4); short protein forms R523C, R620C, R640C, R660C.
Identifiers: ClinVar variation 3376622 (VCV003376622.1).